The following is an entry in ClinVar:

ClinVar aggregate classification (germline): Pathogenic. Review status: reviewed by expert panel (3 of 4 stars). 38 submissions from 36 submitters: Pathogenic (1). 37 of the submissions do not count toward it. Last evaluated 2015-08-10.

Conditions:
Fanconi anemia complementation group D1. Also called: BRCA2-Related Fanconi Anemia. Identifiers: Orphanet 319462, MedGen C1838457, MONDO:0011584, OMIM 605724.
Hereditary breast ovarian cancer syndrome. Also called: Hereditary breast and ovarian cancer; Breast and ovarian cancer; Hereditary breast and/or ovarian cancer syndrome; Hereditary breast and ovarian cancer syndrome (HBOC); Hereditary breast and ovarian cancer syndrome; BRCA1- and BRCA2-Associated Hereditary Breast and Ovarian Cancer. Identifiers: Orphanet 145, MedGen C0677776, MeSH D061325, MONDO:0003582. Disease mechanism: loss of function.
Uterine corpus cancer. Identifiers: MedGen CN277893, MONDO:0006003.
BRCA2-related cancer predisposition. Identifiers: MedGen CN377758, MONDO:0700269.
Hereditary cancer-predisposing syndrome. Also called: Neoplastic Syndromes, Hereditary; Tumor predisposition; Hereditary Cancer Syndrome; Hereditary neoplastic syndrome. Identifiers: Orphanet 140162, MedGen C0027672, MeSH D009386, MONDO:0015356.
BRCA2-related disorder. Also called: BRCA2-related condition; BRCA2-related disorders. Identifiers: MedGen CN239275.
Breast and/or ovarian cancer. Identifiers: MedGen CN221562.
Familial cancer of breast. Also called: BREAST CANCER, FAMILIAL; Hereditary breast cancer; hereditary breast carcinoma. Identifiers: Orphanet 227535, MedGen C0346153, MONDO:0016419, OMIM 114480. Disease mechanism: loss of function.
Glioma susceptibility 3 (GLM3). Also called: Glioblastoma 3. Identifiers: Orphanet 182067, Orphanet 360, MedGen C2751641, MONDO:0013093, OMIM 613029.
Pancreatic cancer, susceptibility to, 2. Identifiers: Orphanet 1333, MedGen C3150546, MONDO:0013235, OMIM 613347.
Wilms tumor 1 (WT1). Also called: Wilms tumor, somatic. Identifiers: Orphanet 654, MedGen CN033288, MONDO:0008679, OMIM 194070.
Prostate cancer. Also called: Malignant tumor of prostate. Identifiers: Orphanet 1331, MedGen C0376358, MONDO:0008315, HP:0012125.
Medulloblastoma (MDB). Also called: MEDULLOBLASTOMA PREDISPOSITION SYNDROME; Medulloblastoma, somatic. Identifiers: Orphanet 616, MedGen C0025149, MeSH D008527, MONDO:0007959, OMIM 155255, HP:0002885.
Breast-ovarian cancer, familial, susceptibility to, 2 (BROVCA2). Also called: BRCA2 Hereditary Breast and Ovarian Cancer. Identifiers: Orphanet 145, MedGen C2675520, MONDO:0012933, OMIM 612555. Disease mechanism: loss of function.
Breast-ovarian cancer, familial, susceptibility to, 1 (BROVCA1). Also called: OVARIAN CANCER, SUSCEPTIBILITY TO; BRCA1 Hereditary Breast and Ovarian Cancer. Identifiers: Orphanet 145, MedGen C2676676, MONDO:0011450, OMIM 604370. Disease mechanism: loss of function.
Malignant tumor of breast. Also called: Malignant breast neoplasm; Cancer breast. Identifiers: MedGen C0006142, MONDO:0007254. Disease mechanism: loss of function.

Allele frequency attached by ClinVar (database versions not stated): gnomAD exomes below 0.00001 and 0.00001; TOPMed 0.00001; ExAC 0.00002.
gnomAD v4.1: 1 of 1,614,132 alleles (0.000062%); highest among the groups gnomAD compares: Non-Finnish European, 0.000085%; no homozygotes.

Submissions 1 to 7 of 38:

Evidence-based Network for the Interpretation of Germline Mutant Alleles (ENIGMA)
Classification: Pathogenic for Breast-ovarian cancer, familial 2. Last evaluated: 2015-08-10. Review status: reviewed by expert panel. Criteria: ENIGMA BRCA1/2 Classification Criteria (2015). Collection method: curation. Allele origin: germline.
Comment: IARC class based on posterior probability from multifactorial likelihood analysis, thresholds for class as per Plon et al. 2008 (PMID: 18951446). Class 5 based on posterior probability = 1

Institute of Human Genetics, University of Leipzig Medical Center
Classification: Likely pathogenic for Breast-ovarian cancer, familial, susceptibility to, 2. Last evaluated: 2026-08-25. Review status: criteria provided, single submitter. Criteria: ACMG Guidelines, 2015. Collection method: clinical testing. Allele origin: unknown. Inheritance: Autosomal dominant inheritance. Affected: yes. Not counted in ClinVar's aggregate classification.
Comment: Criteria applied: PS3,PM3,PP3,PP4

Ambry Genetics
Classification: Pathogenic for Hereditary cancer-predisposing syndrome. Last evaluated: 2026-01-21. Review status: criteria provided, single submitter. Criteria: Ambry Variant Classification Scheme 2023. Collection method: clinical testing. Allele origin: germline. Not counted in ClinVar's aggregate classification.
Comment: The c.7878G>C (p.W2626C) alteration is located in exon 17 (coding exon 16) of the BRCA2 gene. This alteration results from a G to C substitution at nucleotide position 7878, causing the tryptophan (W) at amino acid position 2626 to be replaced by a cysteine (C). Based on the majority of available evidence to date, this alteration is interpreted as a disease-causing mutation. However, because this variant is identified in one or more patients with Fanconi Anemia it may be hypomorphic and thus, carriers of this variant and their families may present with reduced risks, and not with the typical clinical characteristics of a high-risk pathogenic BRCA2 alteration. As risk estimates are unknown at this time, clinical correlation is advised. Based on data from gnomAD, the C allele has an overall frequency of 0.001% (2/251276) total alleles studied. The highest observed frequency was 0.002% (2/113590) of European (non-Finnish) alleles. This variant has been described in families with phenotypes consistent with hereditary breast and ovarian cancer (HBOC) syndrome (Meindl, 2002; Borg, 2010; Konecny, 2011; Meyer, 2012; Winter, 2016; P&ouml;lsler, 2016). This variant has also been identified in two unrelated patients with Fanconi Anemia (Wagner, 2004; Kopic, 2011). In one of these patients, this alteration was confirmed to be in trans with a frameshift mutation (Wagner, 2004). This amino acid position is highly conserved in available vertebrate species. Functional assays evaluating homology-directed DNA break repair (HDR), embryonic stem cell rescue viability, susceptibility to DNA damaging agents, chromosomal aberration, and RAD51 foci have all indicated deficient function in BRCA2 p.W2626C mutants (Biswas, 2011; Guidugli, 2013; Hendriks, 2014; Guidugli, 2018; Mesman, 2019). However, one paper describes this as a hypomorphic variant based on a history weighting algorithm (Pruss, 2014). This alteration is predicted to be deleterious by in silico analysis. Based on the available evidence, this alteration is classified as pathogenic.

Labcorp Genetics (formerly Invitae), Labcorp
Classification: Pathogenic for Hereditary breast ovarian cancer syndrome. Last evaluated: 2026-01-21. Review status: criteria provided, single submitter. Criteria: Invitae Variant Classification Sherloc (09022015). Collection method: clinical testing. Allele origin: germline. Not counted in ClinVar's aggregate classification.
Comment: This sequence change replaces tryptophan, which is neutral and slightly polar, with cysteine, which is neutral and slightly polar, at codon 2626 of the BRCA2 protein (p.Trp2626Cys). This variant is present in population databases (rs80359013, gnomAD 0.0009%). This missense change has been observed in individual(s) with breast and/or ovarian cancer and Fanconi anemia (PMID: 11802209, 15070707, 16115142, 20104584, 21138478, 21203900, 22666503, 25085752). In at least one individual the data is consistent with being in trans (on the opposite chromosome) from a pathogenic variant. ClinVar contains an entry for this variant (Variation ID: 38125). Based on a multifactorial likelihood algorithm using genetic, in silico, and/or statistical data, this variant has been determined to have a high probability of being pathogenic (PMID: 17924331, 21990134). Experimental studies have shown that this missense change affects BRCA2 function (PMID: 17924331, 21719596, 21990134, 23108138, 25146914). For these reasons, this variant has been classified as Pathogenic.

CeGaT Center for Human Genetics Tuebingen
Classification: Pathogenic. Last evaluated: 2026-01-01. Review status: criteria provided, single submitter. Criteria: CeGaT Center For Human Genetics Tuebingen Variant Classification Criteria Version 2. Collection method: clinical testing. Allele origin: germline. Affected: yes. Observed: 12 variant alleles. Not counted in ClinVar's aggregate classification.
Comment: BRCA2: PS3, PM1, PS4:Moderate, PM2:Supporting, PP3

Center for Genomic Medicine, Rigshospitalet, Copenhagen University Hospital
Classification: Pathogenic. Last evaluated: 2025-12-29. Review status: criteria provided, single submitter. Criteria: ACMG Guidelines, 2015. Collection method: clinical testing. Allele origin: germline. Not counted in ClinVar's aggregate classification.

GeneKor MSA
Classification: Pathogenic for Hereditary breast ovarian cancer syndrome. Last evaluated: 2025-06-02. Review status: criteria provided, single submitter. Criteria: ACMG Guidelines, 2015. Collection method: clinical testing. Allele origin: germline. Affected: yes. Not counted in ClinVar's aggregate classification.
Comment: This sequence change replaces Tryptophan with Cysteine at codon 2626 of the BRCA2 protein. The tryptophan residue is highly conserved among species in a domain of the protein that is known to be functionally important. There is a large physiochemical difference between tryptophan and cysteine(Grantham Score 215). This variant is listed in population databases at a very low frequency (rs80359013, ExAC <0.01%). This variant has been reported in individuals affected with breast and/or ovarian cancer (PMID:22666503, 21203900, 20104584, 25085752, 11802209) and in patients affected with Fanconi anemia on the opposite chromosome of a second pathogenic BRCA2 variant (PMID:16115142, 15070707, 21138478).Algorithms developed to predict the effect of missense changes on protein structure and function suggest that this variant may be damaging to the protein.Moreover, experimental studies have shown that the complementation capability of this variant is absent or partially retained in BRCA2-deficient mouse-embryonic stem cells (PMID:21719596, 25146914) and this variant affects sensitivity to DNA damaging agents as well as homology-directed repair activity (PMID:21719596, 23108138).Based on the classification criteria set by the ACMG and AMP (PMID:25741868) this variant has been classified as pathogenic.

NM_000059.4(BRCA2):c.7878G>C (p.Trp2626Cys)

Gene: BRCA2 (BRCA2 DNA repair associated; plus strand). Cytogenetic location: 13q13.1.
Variant type: single nucleotide variant.
Coding change: c.7878G>C on transcript NM_000059.4 (MANE Select); coding-DNA position 7878, G replaced by C.
Protein change: p.Trp2626Cys; replaces tryptophan 2626 with cysteine.
Molecular consequence: missense variant.
Genome position (GRCh38, 1-based): chr13:32,362,595, G>C. VCF-style: chr13-32362595-G-C. GRCh37 (hg19) VCF-style: chr13-32936732-G-C.
Other names: 8106G>C; short protein forms W2626C.
Identifiers: ClinVar variation 38125 (VCV000038125.105), dbSNP rs80359013, ClinGen allele CA025319.
Genomic context (GRCh38, chr13:32,362,595, plus strand): 5'-CACTCCAGGTGTGGATCCAAAGCTTATTTCTAGAATTTGGGTTTATAATCACTATAGATG[G>C]ATCATATGGAAACTGGCAGCTATGGAATGTGCCTTTCCTAAGGAATTTGCTAATAGATGC-3'
Protein context (NP_000050.3, residues 2616-2636): SRIWVYNHYR[Trp2626Cys]IIWKLAAMEC